The following is an entry in ClinVar:

NM_000419.5(ITGA2B):c.945+9C>A

Gene: ITGA2B (integrin subunit alpha 2b; minus strand). Cytogenetic location: 17q21.31.
Variant type: single nucleotide variant.
Coding change: c.945+9C>A on transcript NM_000419.5 (MANE Select); 9 bases into the intron after coding-DNA position 945, C replaced by A.
Molecular consequence: intron variant.
Genome position (GRCh38, 1-based): chr17:44,384,076, G>T on the plus strand (C>A on the coding strand, the complement: ITGA2B is on the minus strand). VCF-style: chr17-44384076-G-T. GRCh37 (hg19) VCF-style: chr17-42461444-G-T.
Identifiers: ClinVar variation 702064 (VCV000702064.7), dbSNP rs776521459, ClinGen allele CA8603275.
Genomic context (GRCh38, chr17:44,384,076, plus strand): 5'-TCCCATGAAATATTCTGAAGTCTCAGTTCCCCCTCCACCCAGCCACGCCCACTGGGACCT[G>T]GCCCCCACCTGCTCTCCGCGCAGCCGATGCAGCCTCTGGTAGTAGGAATCCAAAATTTCC-3'

ClinVar aggregate classification (germline): Likely benign. Review status: reviewed by expert panel (3 of 4 stars). 3 submissions from 3 submitters: Likely benign (1). 2 of the submissions do not count toward it. Last evaluated 2024-12-17.

Conditions:
Glanzmann thrombasthenia. Also called: Glanzmann's thrombasthenia; BLEEDING DISORDER, PLATELET-TYPE, 2; THROMBASTHENIA OF GLANZMANN AND NAEGELI; Thrombasthenia; PLATELET GLYCOPROTEIN IIb-IIIa DEFICIENCY. Identifiers: Orphanet 849, MedGen C0040015, MONDO:0100326.

Allele frequency attached by ClinVar (database versions not stated): ExAC 0.00001; gnomAD 0.00001; TOPMed 0.00001.
gnomAD v4.1: 12 of 1,613,596 alleles (0.00074%); highest among the groups gnomAD compares: Non-Finnish European, 0.00076%; no homozygotes.

Submissions (3):

ClinGen Platelet Disorders Variant Curation Expert Panel, ClinGen
Classification: Likely benign for Glanzmann thrombasthenia. Last evaluated: 2024-12-17. Review status: reviewed by expert panel. Criteria: ClinGen Platelet ACMG Specifications v2-1. Collection method: curation. Allele origin: germline. Inheritance: Autosomal recessive inheritance.
Comment: The 945+9C>A variant in ITGA2B is an intronic variant located in intron 10. The variant is not predicted by SpliceAI to impact splicing. In addition, it occurs at a nucleotide that is not highly conserved as shown by phyloP score of 0.977402 (BP4, BP7). The highest population minor allele frequency in gnomAD v4.1.0 is 0.000007628 (9/1179914 alleles) in the European (non-Finnish) population, which is lower than the ClinGen PD VCEP threshold (<0.0001; PM2_Supporting). Although the variant is reported in ClinVar, no cases of the variant segregating in GT patients were found in the literature. Due to conflicting evidence, this variant is classified as likely benign for autosomal recessive Glanzmann thrombasthenia based on the ACMG/AMP criteria applied, as specified by the ClinGen PD-VCEP: BP4, BP7 and PM2_Supporting (VCEP specifications version 2.1.0).

Labcorp Genetics (formerly Invitae), Labcorp
Classification: Likely benign for Glanzmann thrombasthenia. Last evaluated: 2025-11-04. Review status: criteria provided, single submitter. Criteria: Invitae Variant Classification Sherloc (09022015). Collection method: clinical testing. Allele origin: germline. Not counted in ClinVar's aggregate classification.

Revvity Omics, Revvity
Classification: Uncertain significance. Last evaluated: 2023-08-08. Review status: criteria provided, single submitter. Criteria: ACMG Guidelines, 2015. Collection method: clinical testing. Allele origin: germline. Not counted in ClinVar's aggregate classification.